The following is an entry in ClinVar:

ClinVar aggregate classification (germline): Uncertain significance. Review status: criteria provided, multiple submitters, no conflicts (2 of 4 stars). 2 submissions from 2 submitters: Uncertain significance (2). Last evaluated 2025-12-07.

Conditions:
Hereditary cancer-predisposing syndrome. Also called: Hereditary neoplastic syndrome; Tumor predisposition; Hereditary Cancer Syndrome; Neoplastic Syndromes, Hereditary. Identifiers: Orphanet 140162, MedGen C0027672, MeSH D009386, MONDO:0015356.

Allele frequency attached by ClinVar (database versions not stated): gnomAD exomes below 0.00001; gnomAD 0.00002 and 0.00003; TOPMed 0.00003; ESP Exome Variant Server 0.00008.
gnomAD v4.1: 7 of 1,582,834 alleles (0.00044%); highest among the groups gnomAD compares: African/African-American, 0.0081%; no homozygotes.

Submissions (2):

Ambry Genetics
Classification: Uncertain significance for Hereditary cancer-predisposing syndrome. Last evaluated: 2025-12-07. Review status: criteria provided, single submitter. Criteria: Ambry Variant Classification Scheme 2023. Collection method: clinical testing. Allele origin: germline.
Comment: The p.R1016S variant (also known as c.3048G>T), located in coding exon 20 of the RAD50 gene, results from a G to T substitution at nucleotide position 3048. The arginine at codon 1016 is replaced by serine, an amino acid with dissimilar properties. This amino acid position is highly conserved in available vertebrate species. In addition, the in silico prediction for this alteration is inconclusive. Since supporting evidence is limited at this time, the clinical significance of this alteration remains unclear.

Labcorp Genetics (formerly Invitae), Labcorp
Classification: Uncertain significance for Hereditary cancer-predisposing syndrome. Last evaluated: 2025-05-27. Review status: criteria provided, single submitter. Criteria: Invitae Variant Classification Sherloc (09022015). Collection method: clinical testing. Allele origin: germline.
Comment: This sequence change replaces arginine, which is basic and polar, with serine, which is neutral and polar, at codon 1016 of the RAD50 protein (p.Arg1016Ser). This variant is present in population databases (rs373984280, gnomAD 0.007%). This variant has not been reported in the literature in individuals affected with RAD50-related conditions. ClinVar contains an entry for this variant (Variation ID: 220197). Invitae Evidence Modeling of protein sequence and biophysical properties (such as structural, functional, and spatial information, amino acid conservation, physicochemical variation, residue mobility, and thermodynamic stability) has been performed for this missense variant. However, the output from this modeling did not meet the statistical confidence thresholds required to predict the impact of this variant on RAD50 protein function. In summary, the available evidence is currently insufficient to determine the role of this variant in disease. Therefore, it has been classified as a Variant of Uncertain Significance.

NM_005732.4(RAD50):c.3048G>T (p.Arg1016Ser)

Gene: RAD50 (RAD50 double strand break repair protein; plus strand). Cytogenetic location: 5q31.1.
Variant type: single nucleotide variant.
Coding change: c.3048G>T on transcript NM_005732.4 (MANE Select); coding-DNA position 3048, G replaced by T.
Protein change: p.Arg1016Ser; replaces arginine 1016 with serine.
Molecular consequence: missense variant.
Genome position (GRCh38, 1-based): chr5:132,616,014, G>T. VCF-style: chr5-132616014-G-T. GRCh37 (hg19) VCF-style: chr5-131951706-G-T.
Other names: short protein forms R1016S.
Identifiers: ClinVar variation 220197 (VCV000220197.17), dbSNP rs373984280, ClinGen allele CA349035.